The following is an entry in ClinVar:

ClinVar aggregate classification (germline): Uncertain significance (1 of 4 stars; one submission).

Conditions:
Myoclonic dystonia 11 (DYT11). Also called: Myoclonic dystonia; Dystonia 11; Dystonia, alcohol responsive; Hereditary essential myoclonus; SGCE Myoclonus-Dystonia; Myoclonus-Dystonia. Identifiers: Orphanet 36899, MedGen C1834570, MONDO:0008044, OMIM 159900.

Allele frequency attached by ClinVar (database versions not stated): gnomAD exomes below 0.00001.
gnomAD v4.1: 1 of 1,613,972 alleles (0.000062%); highest among the groups gnomAD compares: Non-Finnish European, 0.000085%; no homozygotes.

Submission:

Labcorp Genetics (formerly Invitae), Labcorp
Classification: Uncertain significance for Myoclonic dystonia 11. Last evaluated: 2024-10-25. Review status: criteria provided, single submitter. Criteria: Invitae Variant Classification Sherloc (09022015). Collection method: clinical testing. Allele origin: germline.
Comment: This sequence change replaces isoleucine, which is neutral and non-polar, with valine, which is neutral and non-polar, at codon 215 of the SGCE protein (p.Ile215Val). This variant is not present in population databases (gnomAD no frequency). This variant has not been reported in the literature in individuals affected with SGCE-related conditions. Invitae Evidence Modeling of protein sequence and biophysical properties (such as structural, functional, and spatial information, amino acid conservation, physicochemical variation, residue mobility, and thermodynamic stability) indicates that this missense variant is not expected to disrupt SGCE protein function with a negative predictive value of 80%. In summary, the available evidence is currently insufficient to determine the role of this variant in disease. Therefore, it has been classified as a Variant of Uncertain Significance.

NM_003919.3(SGCE):c.643A>G (p.Ile215Val)

Genes: CASD1 (CAS1 domain sialic acid O acetyltransferase 1; plus strand), SGCE (sarcoglycan epsilon; minus strand). Cytogenetic location: 7q21.3.
Variant type: single nucleotide variant.
Coding change: c.643A>G on transcript NM_003919.3 (MANE Select); coding-DNA position 643, A replaced by G.
Protein change: p.Ile215Val; replaces isoleucine 215 with valine.
Molecular consequence: missense variant.
Genome position (GRCh38, 1-based): chr7:94,618,777, T>C on the plus strand (A>G on the coding strand, the complement: SGCE is on the minus strand). VCF-style: chr7-94618777-T-C. GRCh37 (hg19) VCF-style: chr7-94248089-T-C.
Other names: c.643A>G, p.Ile215Val (NM_001099400.2, NM_001099401.2, NM_001346717.2); c.520A>G, p.Ile174Val (NM_001301139.2, NM_001362809.2); c.751A>G, p.Ile251Val (NM_001346713.2, NM_001346715.2); c.556A>G, p.Ile186Val (NM_001346719.2, NM_001362807.2); c.370A>G, p.Ile124Val (NM_001346720.2, NM_001362808.2); short protein forms I215V, I251V, I174V, I186V, I124V.
Identifiers: ClinVar variation 2917211 (VCV002917211.3), dbSNP rs2485107774, ClinGen allele CA368235104.